The following is an entry in ClinVar:

NM_000548.5(TSC2):c.3682del (p.Leu1228fs)

Gene: TSC2 (TSC complex subunit 2; plus strand). Cytogenetic location: 16p13.3.
Variant type: Deletion.
Coding change: c.3682del on transcript NM_000548.5 (MANE Select); coding-DNA position 3682, one base deleted (C; older notation c.3682delC).
Protein change: p.Leu1228fs; shifts the reading frame from leucine 1228.
Molecular consequence: frameshift variant.
Genome position (GRCh38, 1-based): chr16:2,081,666, C deleted; the last of 4 consecutive C bases (chr16:2,081,663-2,081,666); deleting any one gives the same sequence. VCF-style (leftmost placement, unchanged base first): chr16-2081662-GC-G. GRCh37 (hg19) VCF-style: chr16-2131663-GC-G.
Other names: c.3550del, p.Leu1184fs (NM_001077183.3, NM_001370404.1); c.3682del, p.Leu1228fs (NM_001114382.3); c.3442del, p.Leu1148fs (NM_001318827.2); c.3406del, p.Leu1136fs (NM_001318829.2); c.2950del, p.Leu984fs (NM_001318831.2); c.3583del, p.Leu1195fs (NM_001318832.2); c.3553del, p.Leu1185fs (NM_001363528.2, NM_001370405.1, NM_021055.3); c.3679delC, p.Leu1227Cysfs (NM_001406663.1, NM_001406664.1); and 20 more; short protein forms L1184fs, L1185fs, L1228fs, L984fs, L1136fs, L1148fs, L1195fs.
Identifiers: ClinVar variation 1918070 (VCV001918070.6), dbSNP rs2544155741, ClinGen allele CA2580091014.
Genomic context (GRCh38, chr16:2,081,662, plus strand): 5'-CAGCTGGCTGATGAGCCTGGAGAACCCGCTCAGCCCTTTCTCCTCGGACATCAACAACAT[GC>G]CCCTGCAGGAGCTGTCTAACGCCCTCATGGCGGCTGAGCGCTTCAAGGAGCACCGGGACA-3'

ClinVar aggregate classification (germline): Pathogenic. Review status: criteria provided, multiple submitters, no conflicts (2 of 4 stars). 2 submissions from 2 submitters: Pathogenic (2). Last evaluated 2024-04-04.

Conditions:
Tuberous sclerosis 2 (TSC2). Identifiers: Orphanet 805, MedGen C1860707, MONDO:0013199, OMIM 613254.

Submissions (2):

Genomic Medicine Center of Excellence, King Faisal Specialist Hospital and Research Centre
Classification: Pathogenic for Tuberous sclerosis 2. Last evaluated: 2024-04-04. Review status: criteria provided, single submitter. Criteria: ACMG Guidelines, 2015. Collection method: clinical testing. Allele origin: germline.

Labcorp Genetics (formerly Invitae), Labcorp
Classification: Pathogenic for Tuberous sclerosis 2. Last evaluated: 2022-03-13. Review status: criteria provided, single submitter. Criteria: Invitae Variant Classification Sherloc (09022015). Collection method: clinical testing. Allele origin: germline.
Comment: For these reasons, this variant has been classified as Pathogenic. This sequence change creates a premature translational stop signal (p.Leu1228Cysfs*97) in the TSC2 gene. It is expected to result in an absent or disrupted protein product. Loss-of-function variants in TSC2 are known to be pathogenic (PMID: 10205261, 17304050). This variant is not present in population databases (gnomAD no frequency). This premature translational stop signal has been observed in individual(s) with tuberous sclerosis complex (PMID: 32211034).

Literature cited by the submitters: PubMed 10205261 (cited by Labcorp Genetics (formerly Invitae), Labcorp); PubMed 17304050 (cited by Labcorp Genetics (formerly Invitae), Labcorp); PubMed 32211034 (cited by Labcorp Genetics (formerly Invitae), Labcorp).